The following is an entry in ClinVar:

NM_000257.4(MYH7):c.4840G>T (p.Val1614Leu)

Genes: MHRT (myosin heavy chain associated RNA transcript; plus strand), MYH7 (myosin heavy chain 7; minus strand), LOC126861897 (BRD4-independent group 4 enhancer GRCh37_chr14:23884455-23885654; plus strand). Cytogenetic location: 14q11.2.
Variant type: single nucleotide variant.
Coding change: c.4840G>T on transcript NM_000257.4 (MANE Select); coding-DNA position 4840, G replaced by T.
Protein change: p.Val1614Leu; replaces valine 1614 with leucine.
Molecular consequence: missense variant. On other transcripts: non-coding transcript variant (1).
Genome position (GRCh38, 1-based): chr14:23,416,117, C>A on the plus strand (G>T on the coding strand, the complement: MYH7 is on the minus strand). VCF-style: chr14-23416117-C-A. GRCh37 (hg19) VCF-style: chr14-23885326-C-A.
Other names: c.4840G>T, p.Val1614Leu (NM_001407004.1); short protein forms V1614L.
Identifiers: ClinVar variation 3893747 (VCV003893747.1).

ClinVar aggregate classification (germline): Uncertain significance (1 of 4 stars; one submission).

Conditions:
Cardiomyopathy (CMYO). Also called: Cardiomyopathies. Identifiers: Orphanet 167848, MedGen C0878544, MONDO:0004994, HP:0001638. Inheritance: Various modes of inheritance.

gnomAD v4.1: 2 of 1,614,224 alleles (0.00012%); highest among the groups gnomAD compares: East Asian, 0.0022%; no homozygotes.

Submission:

Color Diagnostics, LLC DBA Color Health
Classification: Uncertain significance for Cardiomyopathy. Last evaluated: 2024-04-07. Review status: criteria provided, single submitter. Criteria: ACMG Guidelines, 2015. Collection method: clinical testing. Allele origin: germline.
Comment: This missense variant replaces valine with leucine at codon 1614 of the MYH7 protein. Computational prediction suggests that this variant may not impact protein structure and function (internally defined REVEL score threshold <= 0.5, PMID: 27666373). To our knowledge, functional studies have not been reported for this variant. This variant has not been reported in individuals affected with MYH7-related disorders in the literature. This variant has been identified in 1/251492 chromosomes in the general population by the Genome Aggregation Database (gnomAD). The available evidence is insufficient to determine the role of this variant in disease conclusively. Therefore, this variant is classified as a Variant of Uncertain Significance.